The following is an entry in ClinVar:

ClinVar aggregate classification (germline): Uncertain significance. Review status: criteria provided, multiple submitters, no conflicts (2 of 4 stars). 3 submissions from 3 submitters: Uncertain significance (3). Last evaluated 2024-05-22.

Conditions:
Noonan syndrome (NS). Also called: Noonan's syndrome. Identifiers: Orphanet 648, MedGen C0028326, MeSH D009634, MONDO:0018997. Disease mechanism: gain of function.

Allele frequency attached by ClinVar (database versions not stated): gnomAD 0.00002; gnomAD exomes 0.00003; TOPMed 0.00003; ExAC 0.00005.
gnomAD v4.1: 36 of 1,613,934 alleles (0.0022%); highest among the groups gnomAD compares: South Asian, 0.027%; no homozygotes.

Submissions (3):

Labcorp Genetics (formerly Invitae), Labcorp
Classification: Uncertain significance. Last evaluated: 2024-05-22. Review status: criteria provided, single submitter. Criteria: Invitae Variant Classification Sherloc (09022015). Collection method: clinical testing. Allele origin: germline.
Comment: This sequence change replaces arginine, which is basic and polar, with glutamine, which is neutral and polar, at codon 268 of the A2ML1 protein (p.Arg268Gln). This variant is present in population databases (rs767510479, gnomAD 0.02%). This variant has not been reported in the literature in individuals affected with A2ML1-related conditions. ClinVar contains an entry for this variant (Variation ID: 1004602). Algorithms developed to predict the effect of missense changes on protein structure and function output the following: SIFT: "Not Available"; PolyPhen-2: "Benign"; Align-GVGD: "Not Available". The glutamine amino acid residue is found in multiple mammalian species, which suggests that this missense change does not adversely affect protein function. In summary, the available evidence is currently insufficient to determine the role of this variant in disease. Therefore, it has been classified as a Variant of Uncertain Significance.

Ambry Genetics
Classification: Uncertain significance. Last evaluated: 2024-03-24. Review status: criteria provided, single submitter. Criteria: Ambry Variant Classification Scheme 2023. Collection method: clinical testing. Allele origin: germline.
Comment: The p.R268Q variant (also known as c.803G>A), located in coding exon 8 of the A2ML1 gene, results from a G to A substitution at nucleotide position 803. The arginine at codon 268 is replaced by glutamine, an amino acid with highly similar properties. This amino acid position is conserved. In addition, this alteration is predicted to be tolerated by in silico analysis. Since supporting evidence is limited at this time, the clinical significance of this alteration remains unclear.

Department of Pathology and Laboratory Medicine, Sinai Health System
Classification: Uncertain significance for Noonan syndrome. Last evaluated: 2022-12-02. Review status: criteria provided, single submitter. Criteria: ACMG Guidelines, 2015. Collection method: research. Allele origin: germline.

NM_144670.6(A2ML1):c.803G>A (p.Arg268Gln)

Gene: A2ML1 (alpha-2-macroglobulin like 1; plus strand). Cytogenetic location: 12p13.31.
Variant type: single nucleotide variant.
Coding change: c.803G>A on transcript NM_144670.6 (MANE Select); coding-DNA position 803, G replaced by A.
Protein change: p.Arg268Gln; replaces arginine 268 with glutamine.
Molecular consequence: missense variant.
Genome position (GRCh38, 1-based): chr12:8,837,514, G>A. VCF-style: chr12-8837514-G-A. GRCh37 (hg19) VCF-style: chr12-8990110-G-A.
Other names: short protein forms R268Q.
Identifiers: ClinVar variation 1004602 (VCV001004602.10), dbSNP rs767510479, ClinGen allele CA6435434.